The following is an entry in ClinVar:

ClinVar aggregate classification (germline): Conflicting classifications of pathogenicity. Review status: criteria provided, conflicting classifications (1 of 4 stars). 2 submissions from 2 submitters: Uncertain significance (1); Likely benign (1). Last evaluated 2025-03-30.

Conditions:
Hereditary cancer-predisposing syndrome. Also called: Neoplastic Syndromes, Hereditary; Tumor predisposition; Hereditary neoplastic syndrome; Hereditary Cancer Syndrome. Identifiers: Orphanet 140162, MedGen C0027672, MeSH D009386, MONDO:0015356.

Allele frequency attached by ClinVar (database versions not stated): TOPMed 0.00002.
gnomAD v4.1: 1 of 1,614,180 alleles (0.000062%); highest among the groups gnomAD compares: East Asian, 0.0022%; no homozygotes.

Submissions (2):

Labcorp Genetics (formerly Invitae), Labcorp
Classification: Uncertain significance. Last evaluated: 2025-03-30. Review status: criteria provided, single submitter. Criteria: Invitae Variant Classification Sherloc (09022015). Collection method: clinical testing. Allele origin: germline.
Comment: This sequence change replaces aspartic acid, which is acidic and polar, with glutamic acid, which is acidic and polar, at codon 265 of the CTNNA1 protein (p.Asp265Glu). This variant is present in population databases (no rsID available, gnomAD 0.006%). This variant has not been reported in the literature in individuals affected with CTNNA1-related conditions. ClinVar contains an entry for this variant (Variation ID: 827357). Invitae Evidence Modeling of protein sequence and biophysical properties (such as structural, functional, and spatial information, amino acid conservation, physicochemical variation, residue mobility, and thermodynamic stability) indicates that this missense variant is not expected to disrupt CTNNA1 protein function with a negative predictive value of 80%. In summary, the available evidence is currently insufficient to determine the role of this variant in disease. Therefore, it has been classified as a Variant of Uncertain Significance.

Ambry Genetics
Classification: Likely benign for Hereditary cancer-predisposing syndrome. Last evaluated: 2024-07-16. Review status: criteria provided, single submitter. Criteria: Ambry Variant Classification Scheme 2023. Collection method: clinical testing. Allele origin: germline.

NM_001903.5(CTNNA1):c.795C>A (p.Asp265Glu)

Gene: CTNNA1 (catenin alpha 1; plus strand). Cytogenetic location: 5q31.2.
Variant type: single nucleotide variant.
Coding change: c.795C>A on transcript NM_001903.5 (MANE Select); coding-DNA position 795, C replaced by A.
Protein change: p.Asp265Glu; replaces aspartic acid 265 with glutamic acid.
Molecular consequence: missense variant.
Genome position (GRCh38, 1-based): chr5:138,824,736, C>A. VCF-style: chr5-138824736-C-A. GRCh37 (hg19) VCF-style: chr5-138160425-C-A.
Other names: c.795C>A, p.Asp265Glu (NM_001290307.3, NM_001323982.2, NM_001323983.1 and 3 more transcripts); c.486C>A, p.Asp162Glu (NM_001290309.3); c.426C>A, p.Asp142Glu (NM_001290310.3); short protein forms D142E, D265E, D162E.
Identifiers: ClinVar variation 827357 (VCV000827357.15), dbSNP rs148239804, ClinGen allele CA361130060.